The following is an entry in ClinVar:

ClinVar aggregate classification (germline): Pathogenic (0 of 4 stars; one submission).

Conditions:
Seizures, benign familial neonatal, 1. Also called: KCNQ2-Related Benign Familial Neonatal Epilepsy; Benign Neonatal Epilepsy 1; KCNQ2-Related Self-Limited Familial Neonatal Epilepsy (SLFNE); Seizures, benign neonatal, 1. Identifiers: Orphanet 1949, MedGen C3149074, MONDO:0007365, OMIM 121200.

Submission:

GeneReviews
Classification: Pathogenic for Seizures, benign familial neonatal, 1. Last evaluated: 2016-03-31. Review status: no assertion criteria provided. Collection method: literature only. Allele origin: germline. Affected: yes.
Comment: BFNE (benign familial neonatal epilepsy)

This is a submicroscopic deletion and the exact boundaries have not been determined.

Literature cited by the submitters: PubMed 17675531; PubMed 25982755.

NM_172107.2(KCNQ2):c.297-?_1247+?del

Gene: KCNQ2 (potassium voltage-gated channel subfamily Q member 2; minus strand). Cytogenetic location: 20q13.33.
Variant type: Deletion.
Coding change: c.297-?_1247+?del on transcript NM_172107.2.
Identifiers: ClinVar variation 369745 (VCV000369745.1).